The following is an entry in ClinVar:

ClinVar aggregate classification (germline): Uncertain significance (1 of 4 stars; one submission).

Submission:

GeneDx
Classification: Uncertain significance. Last evaluated: 2024-11-11. Review status: criteria provided, single submitter. Criteria: GeneDx Variant Classification Process June 2021. Collection method: clinical testing. Allele origin: germline. Affected: yes.
Comment: Not observed at significant frequency in large population cohorts (gnomAD); Nucleotide is not conserved across species and the substitution has no predicted effect on splicing; Has not been previously published as pathogenic or benign to our knowledge; Alters the Kozak sequence, which plays a major role in the initiation of translation

NM_016011.5(MECR):c.-5C>A

Gene: MECR (mitochondrial trans-2-enoyl-CoA reductase; minus strand). Cytogenetic location: 1p35.3.
Variant type: single nucleotide variant.
Coding change: c.-5C>A on transcript NM_016011.5 (MANE Select); 5 bases upstream of the start codon, C replaced by A.
Molecular consequence: 5 prime UTR variant. On other transcripts: non-coding transcript variant (4).
Genome position (GRCh38, 1-based): chr1:29,230,911, G>T on the plus strand (C>A on the coding strand, the complement: MECR is on the minus strand). VCF-style: chr1-29230911-G-T. GRCh37 (hg19) VCF-style: chr1-29557423-G-T.
Other names: c.-360C>A (NM_001024732.4); c.-564C>A (NM_001349711.2); c.-565C>A (NM_001349712.2); c.-442C>A (NM_001349713.2); c.-354C>A (NM_001349714.2); c.-5C>A (NM_001349715.2, NM_001349716.2); c.-147C>A (NM_001349717.2).
Identifiers: ClinVar variation 3899119 (VCV003899119.1).